The following is an entry in ClinVar:

ClinVar aggregate classification (germline): Likely benign. Review status: reviewed by expert panel (3 of 4 stars). 11 submissions from 11 submitters: Likely benign (1). 10 of the submissions do not count toward it. Last evaluated 2025-12-29.

Conditions:
Autosomal recessive limb-girdle muscular dystrophy. Identifiers: Orphanet 102015, MedGen C2931907, MONDO:0015152.
Neuromuscular disease caused by qualitative or quantitative defects of dysferlin. Also called: Dysferlinopathy; Qualitative or quantitative defects of dysferlin. Identifiers: Orphanet 207073, MedGen C2931687, MONDO:0016145.
Miyoshi muscular dystrophy 1 (MMD1). Identifiers: Orphanet 45448, MedGen C4551973, MONDO:0024545, OMIM 254130.

Allele frequency attached by ClinVar (database versions not stated): ESP Exome Variant Server 0.00062; TOPMed 0.00071; ExAC 0.00075; gnomAD exomes 0.00087 and 0.00155; 1000 Genomes Project 30x 0.00094; gnomAD 0.00094 and 0.00096; 1000 Genomes Project 0.00120.

Submissions (11):

ClinGen Limb Girdle Muscular Dystrophy Variant Curation Expert Panel, ClinGen
Classification: Likely benign for Autosomal recessive limb-girdle muscular dystrophy. Last evaluated: 2025-12-29. Review status: reviewed by expert panel. Criteria: ClinGen LGMD VCEP ACMG Specifications DYSF V2.0.0. Collection method: curation. Allele origin: germline. Inheritance: Autosomal recessive inheritance.
Comment: The NM_003494.4: c.3967C>G variant in DYSF, which is also known as NM_001130987.2: c.4021C>G p.(Gln1341Glu), is a missense variant predicted to cause substitution of glutamine to glutamic acid at amino acid 1323, p.(Gln1323Glu). The filtering allele frequency of this variant in gnomAD v4.1.0 is 0.001785 (the lower threshold of the 95% CI of 2183/1179906 European (non-Finnish) chromosomes), which is greater than the ClinGen LGMD VCEP threshold >0.001 for BS1, meeting this criterion (BS1). While this variant has been identified in individuals with suspected LGMD (e.g., PMID: 29970176, 36983702), its frequency in control populations is high relative to disease prevalence. In addition, it was identified either in a heterozygous state with no relevant second variant in DYSF or additional potentially causative variants were identified (PM3 not met). Immunofluorescence and 2-A assays of dysferlin membrane localization in HEK293T cells showed that the Gln1323Glu protein reached the cell membrane, indicating no significant impact on this aspect of protein function (PMID: 35028538; BS3 not met). The computational predictor REVEL gives a score of 0.34 (PP3 and BP4 not met). In summary, this variant is classified as Likely Benign for autosomal recessive limb girdle muscular dystrophy based on the ACMG/AMP criteria applied, as specified by the ClinGen LGMD VCEP (LGMD VCEP specifications version 2.0.0; 12/29/2025): BS1.

Labcorp Genetics (formerly Invitae), Labcorp
Classification: Likely benign for Neuromuscular disease caused by qualitative or quantitative defects of dysferlin. Last evaluated: 2026-01-25. Review status: criteria provided, single submitter. Criteria: Invitae Variant Classification Sherloc (09022015). Collection method: clinical testing. Allele origin: germline. Not counted in ClinVar's aggregate classification.

CeGaT Center for Human Genetics Tuebingen
Classification: Likely benign. Last evaluated: 2026-01-01. Review status: criteria provided, single submitter. Criteria: CeGaT Center For Human Genetics Tuebingen Variant Classification Criteria Version 2. Collection method: clinical testing. Allele origin: germline. Affected: yes. Observed: 5 variant alleles. Not counted in ClinVar's aggregate classification.
Comment: DYSF: BS1

Blueprint Genetics
Classification: Uncertain significance. Last evaluated: 2024-11-18. Review status: criteria provided, single submitter. Criteria: ACMG Guidelines, 2015. Collection method: clinical testing. Allele origin: germline. Not counted in ClinVar's aggregate classification.

Athena Diagnostics
Classification: Likely benign. Last evaluated: 2024-10-29. Review status: criteria provided, single submitter. Criteria: Athena Diagnostics Criteria. Collection method: clinical testing. Allele origin: unknown. Not counted in ClinVar's aggregate classification.

Mayo Clinic Laboratories, Mayo Clinic
Classification: Uncertain significance. Last evaluated: 2023-03-20. Review status: criteria provided, single submitter. Criteria: ACMG Guidelines, 2015. Collection method: clinical testing. Allele origin: germline. Observed: 2 variant alleles. Not counted in ClinVar's aggregate classification.

GeneDx
Classification: Likely benign. Last evaluated: 2020-09-28. Review status: criteria provided, single submitter. Criteria: GeneDx Variant Classification Process June 2021. Collection method: clinical testing. Allele origin: germline. Affected: yes. Not counted in ClinVar's aggregate classification.
Comment: This variant is associated with the following publications: (PMID: 25133958, 29970176)

ARUP Laboratories, Molecular Genetics and Genomics, ARUP Laboratories
Classification: Uncertain significance. Last evaluated: 2020-02-14. Review status: criteria provided, single submitter. Criteria: ARUP Molecular Germline Variant Investigation Process. Collection method: clinical testing. Allele origin: germline. Not counted in ClinVar's aggregate classification.

Baylor Genetics
Classification: Uncertain significance for Miyoshi muscular dystrophy 1. Last evaluated: 2019-01-16. Review status: criteria provided, single submitter. Criteria: ACMG Guidelines, 2015. Collection method: clinical testing. Allele origin: unknown. Affected: yes. Not counted in ClinVar's aggregate classification.
Comment: This variant was determined to be of uncertain significance according to ACMG Guidelines, 2015 [PMID:25741868]. This variant has been previously reported in patients with ataxia and limb-girdle muscular dystrophy [PMID 25133958, 29970176]

Illumina Laboratory Services, Illumina
Classification: Likely benign for Qualitative or quantitative defects of dysferlin. Last evaluated: 2017-04-27. Review status: criteria provided, single submitter. Criteria: ICSL Variant Classification Criteria 13 December 2019. Collection method: clinical testing. Allele origin: germline. Not counted in ClinVar's aggregate classification.
Comment: This variant was observed as part of a predisposition screen in an ostensibly healthy population. A literature search was performed for the gene, cDNA change, and amino acid change (where applicable). No publications were found based on this search. Allele frequency data from public databases allowed determination this variant is unlikely to cause disease. Therefore, this variant is classified as likely benign.

Eurofins Ntd Llc (ga)
Classification: Uncertain significance. Last evaluated: 2015-07-14. Review status: criteria provided, single submitter. Criteria: EGL Classification Definitions 2015. Collection method: clinical testing. Allele origin: germline. Observed: 6 variant alleles, 6 heterozygotes. Not counted in ClinVar's aggregate classification.

Literature cited by the submitters: PubMed 31862442 (cited by Athena Diagnostics and Mayo Clinic Laboratories, Mayo Clinic); PubMed 35028538 (cited by Athena Diagnostics); PubMed 36983702 (cited by Athena Diagnostics); PubMed 37926714 (cited by Athena Diagnostics); PubMed 25133958 (cited by 3 submitters); PubMed 29970176 (cited by 3 submitters).

NM_001130987.2(DYSF):c.4021C>G (p.Gln1341Glu)

Gene: DYSF (dysferlin; plus strand). Cytogenetic location: 2p13.2.
Variant type: single nucleotide variant.
Coding change: c.4021C>G on transcript NM_001130987.2 (MANE Select); coding-DNA position 4021, C replaced by G.
Protein change: p.Gln1341Glu; replaces glutamine 1341 with glutamic acid.
Molecular consequence: missense variant.
Genome position (GRCh38, 1-based): chr2:71,611,308, C>G. VCF-style: chr2-71611308-C-G. GRCh37 (hg19) VCF-style: chr2-71838438-C-G.
Other names: p.Gln1323Glu; NM_001130987.2(DYSF):c.4021C>G; p.Gln1341Glu; c.3970C>G, p.Gln1324Glu (NM_001130455.2, NM_001130983.2); c.3925C>G, p.Gln1309Glu (NM_001130976.2, NM_001130977.2); c.3967C>G, p.Gln1323Glu (NM_001130978.2, NM_003494.4); c.4060C>G, p.Gln1354Glu (NM_001130979.2); c.4018C>G, p.Gln1340Glu (NM_001130980.2, NM_001130981.2); and 3 more; short protein forms Q1323E, Q1341E, Q1309E, Q1310E, Q1340E, Q1324E, Q1354E, Q1355E.
Identifiers: ClinVar variation 197004 (VCV000197004.98), dbSNP rs147950418, ClinGen allele CA244881.